The following is an entry in ClinVar:

ClinVar aggregate classification (germline): Uncertain significance (1 of 4 stars; one submission).

Conditions:
Inborn genetic diseases. Identifiers: MedGen C0950123, MeSH D030342.

Allele frequency attached by ClinVar (database versions not stated): ExAC 0.00001.

Submission:

Ambry Genetics
Classification: Uncertain significance for Inborn genetic diseases. Last evaluated: 2023-12-08. Review status: criteria provided, single submitter. Criteria: Ambry Variant Classification Scheme 2023. Collection method: clinical testing. Allele origin: germline.
Comment: The p.K2604R variant (also known as c.7811A>G), located in coding exon 47 of the ATR gene, results from an A to G substitution at nucleotide position 7811. The lysine at codon 2604 is replaced by arginine, an amino acid with highly similar properties. This amino acid position is conserved. In addition, this alteration is predicted to be tolerated by in silico analysis. Since supporting evidence is limited at this time, the clinical significance of this alteration remains unclear.

NM_001184.4(ATR):c.7811A>G (p.Lys2604Arg)

Gene: ATR (ATR checkpoint kinase; minus strand). Cytogenetic location: 3q23.
Variant type: single nucleotide variant.
Coding change: c.7811A>G on transcript NM_001184.4 (MANE Select); coding-DNA position 7811, A replaced by G.
Protein change: p.Lys2604Arg; replaces lysine 2604 with arginine.
Molecular consequence: missense variant.
Genome position (GRCh38, 1-based): chr3:142,449,553, T>C on the plus strand (A>G on the coding strand, the complement: ATR is on the minus strand). VCF-style: chr3-142449553-T-C. GRCh37 (hg19) VCF-style: chr3-142168395-T-C.
Other names: c.7619A>G, p.Lys2540Arg (NM_001354579.2); short protein forms K2540R, K2604R.
Identifiers: ClinVar variation 3221299 (VCV003221299.1), dbSNP rs771519566, ClinGen allele CA2649025.
Genomic context (GRCh38, chr3:142,449,553, plus strand): 5'-ATAAGGTAATGCACATGTCCTTCAATAGATAACGGCAGTCCTGTCACTCTATTTCGAGTC[T>C]TGATTACACCTTGTAGTCGCTGCTCAATGTCAAGAACATGGGTCTTGGCCTAAAAAGAAG-3'
Protein context (NP_001175.2, residues 2594-2614): DIEQRLQGVI[Lys2604Arg]TRNRVTGLPL